The following is an entry in ClinVar:

NM_000540.3(RYR1):c.3971C>T (p.Ala1324Val)

Gene: RYR1 (ryanodine receptor 1; plus strand). Cytogenetic location: 19q13.2.
Variant type: single nucleotide variant.
Coding change: c.3971C>T on transcript NM_000540.3 (MANE Select); coding-DNA position 3971, C replaced by T.
Protein change: p.Ala1324Val; replaces alanine 1324 with valine.
Molecular consequence: missense variant.
Genome position (GRCh38, 1-based): chr19:38,473,582, C>T. VCF-style: chr19-38473582-C-T. GRCh37 (hg19) VCF-style: chr19-38964222-C-T.
Other names: c.3971C>T, p.Ala1324Val (NM_001042723.2); short protein forms A1324V.
Identifiers: ClinVar variation 2730352 (VCV002730352.4), dbSNP rs994973414, ClinGen allele CA308079722.

ClinVar aggregate classification (germline): Uncertain significance. Review status: criteria provided, multiple submitters, no conflicts (2 of 4 stars). 2 submissions from 2 submitters: Uncertain significance (2). Last evaluated 2023-08-04.

Conditions:
RYR1-related disorder. Also called: RYR1-related disorders; RYR1-related condition. Identifiers: MedGen CN239331.
Malignant hyperthermia, susceptibility to, 1 (MHS1). Also called: Anesthesia related hyperthermia; Malignant hyperpyrexia; Fulminating hyperpyrexia; Pharmacogenic myopathy; RYR1-Related Malignant Hyperthermia Susceptibility; Malignant hyperthermia suceptibility 1. Identifiers: Orphanet 423, MedGen C2930980, MONDO:0007783, OMIM 145600.

Allele frequency attached by ClinVar (database versions not stated): gnomAD 0.00001; gnomAD exomes 0.00001; TOPMed 0.00002.
gnomAD v4.1: 13 of 1,588,170 alleles (0.00082%); highest among the groups gnomAD compares: African/African-American, 0.004%; no homozygotes.

Submissions (2):

Labcorp Genetics (formerly Invitae), Labcorp
Classification: Uncertain significance for RYR1-related disorder. Last evaluated: 2023-08-04. Review status: criteria provided, single submitter. Criteria: Invitae Variant Classification Sherloc (09022015). Collection method: clinical testing. Allele origin: germline.
Comment: In summary, the available evidence is currently insufficient to determine the role of this variant in disease. Therefore, it has been classified as a Variant of Uncertain Significance. Advanced modeling of protein sequence and biophysical properties (such as structural, functional, and spatial information, amino acid conservation, physicochemical variation, residue mobility, and thermodynamic stability) has been performed at Invitae for this missense variant, however the output from this modeling did not meet the statistical confidence thresholds required to predict the impact of this variant on RYR1 protein function. This sequence change replaces alanine, which is neutral and non-polar, with valine, which is neutral and non-polar, at codon 1324 of the RYR1 protein (p.Ala1324Val). The frequency data for this variant in the population databases is considered unreliable, as metrics indicate poor data quality at this position in the gnomAD database. This variant has not been reported in the literature in individuals affected with RYR1-related conditions.

All of Us Research Program, National Institutes of Health
Classification: Uncertain significance for Malignant hyperthermia, susceptibility to, 1. Last evaluated: 2023-06-26. Review status: criteria provided, single submitter. Criteria: ACMG Guidelines, 2015. Collection method: clinical testing. Allele origin: germline. Inheritance: Autosomal dominant inheritance. Observed: 1 variant allele, 1 heterozygote.
Comment: This missense variant replaces alanine with valine at codon 1324 of the RYR1 protein. Computational prediction suggests that this variant may not impact protein structure and function (internally defined REVEL score threshold <= 0.5, PMID: 27666373). To our knowledge, functional studies have not been reported for this variant. This variant has not been reported in individuals affected with RYR1-related disorders in the literature. This variant has been identified in 1/194940 chromosomes in the general population by the Genome Aggregation Database (gnomAD). The available evidence is insufficient to determine the role of this variant in disease conclusively. Therefore, this variant is classified as a Variant of Uncertain Significance.

This study involves interpretation of variants in research participants for the purpose of population health screening. Participant phenotype was not available at the time of variant classification. Additional details can be found in publication PMID: 35346344, PMCID: PMC8962531